The following is an entry in ClinVar:

ClinVar aggregate classification (germline): Uncertain significance (1 of 4 stars; one submission).

Conditions:
Pitt-Hopkins-like syndrome 2 (PTHSL2). Identifiers: Orphanet 221150, Orphanet 600663, MedGen C3280479, MONDO:0013690, OMIM 614325.

Allele frequency attached by ClinVar (database versions not stated): gnomAD exomes below 0.00001.
gnomAD v4.1: 1 of 1,613,320 alleles (0.000062%); highest among the groups gnomAD compares: Admixed American, 0.0017%; no homozygotes.

Submission:

Labcorp Genetics (formerly Invitae), Labcorp
Classification: Uncertain significance for Pitt-Hopkins-like syndrome 2. Last evaluated: 2020-08-27. Review status: criteria provided, single submitter. Criteria: Invitae Variant Classification Sherloc (09022015). Collection method: clinical testing. Allele origin: germline.
Comment: In summary, the available evidence is currently insufficient to determine the role of this variant in disease. Therefore, it has been classified as a Variant of Uncertain Significance. Algorithms developed to predict the effect of missense changes on protein structure and function (SIFT, PolyPhen-2, Align-GVGD) all suggest that this variant is likely to be tolerated, but these predictions have not been confirmed by published functional studies and their clinical significance is uncertain. This variant has not been reported in the literature in individuals with NRXN1-related conditions. This variant is not present in population databases (ExAC no frequency). This sequence change replaces lysine with asparagine at codon 1170 of the NRXN1 protein (p.Lys1170Asn). The lysine residue is highly conserved and there is a moderate physicochemical difference between lysine and asparagine.

NM_001330078.2(NRXN1):c.3390A>T (p.Lys1130Asn)

Gene: NRXN1 (neurexin 1; minus strand). Cytogenetic location: 2p16.3.
Variant type: single nucleotide variant.
Coding change: c.3390A>T on transcript NM_001330078.2 (MANE Select); coding-DNA position 3390, A replaced by T.
Protein change: p.Lys1130Asn; replaces lysine 1130 with asparagine.
Molecular consequence: missense variant.
Genome position (GRCh38, 1-based): chr2:50,236,945, T>A on the plus strand (A>T on the coding strand, the complement: NRXN1 is on the minus strand). VCF-style: chr2-50236945-T-A. GRCh37 (hg19) VCF-style: chr2-50464083-T-A.
Other names: c.3510A>T, p.Lys1170Asn (NM_001135659.3); c.3366A>T, p.Lys1122Asn (NM_001330077.2, NM_001330082.2); c.3324A>T, p.Lys1108Asn (NM_001330083.2, NM_001330084.2); c.3363A>T, p.Lys1121Asn (NM_001330085.2); c.3390A>T, p.Lys1130Asn (NM_001330086.2, NM_004801.6); c.3279A>T, p.Lys1093Asn (NM_001330087.2, NM_001330096.2); c.3309A>T, p.Lys1103Asn (NM_001330088.2); c.285A>T, p.Lys95Asn (NM_001330091.2, NM_001330092.2, NM_001330097.2 and 1 more transcripts); and 3 more; short protein forms K1093N, K1103N, K1108N, K1113N, K1121N, K1122N, K1126N, K1129N.
Identifiers: ClinVar variation 1059367 (VCV001059367.9), dbSNP rs1462799887, ClinGen allele CA346821096.